The following is an entry in ClinVar:

ClinVar aggregate classification (germline): Uncertain significance. Review status: criteria provided, multiple submitters, no conflicts (2 of 4 stars). 2 submissions from 2 submitters: Uncertain significance (2). Last evaluated 2026-02-02.

Conditions:
Epilepsy, familial focal, with variable foci 3 (FFEVF3). Identifiers: MedGen C4310708, MONDO:0014925, OMIM 617118.
Inborn genetic diseases. Identifiers: MedGen C0950123, MeSH D030342.

Allele frequency attached by ClinVar (database versions not stated): gnomAD exomes 0.00002 and 0.00005; gnomAD 0.00003 and 0.00004; TOPMed 0.00003; ExAC 0.00005; 1000 Genomes Project 0.00020; 1000 Genomes Project 30x 0.00031.

Submissions (2):

Labcorp Genetics (formerly Invitae), Labcorp
Classification: Uncertain significance for Epilepsy, familial focal, with variable foci 3. Last evaluated: 2026-02-02. Review status: criteria provided, single submitter. Criteria: Invitae Variant Classification Sherloc (09022015). Collection method: clinical testing. Allele origin: germline.
Comment: This sequence change replaces glutamine, which is neutral and polar, with arginine, which is basic and polar, at codon 188 of the NPRL3 protein (p.Gln188Arg). This variant is present in population databases (rs191687929, gnomAD 0.007%). This variant has not been reported in the literature in individuals affected with NPRL3-related conditions. ClinVar contains an entry for this variant (Variation ID: 956662). Invitae Evidence Modeling of protein sequence and biophysical properties (such as structural, functional, and spatial information, amino acid conservation, physicochemical variation, residue mobility, and thermodynamic stability) indicates that this missense variant is not expected to disrupt NPRL3 protein function with a negative predictive value of 80%. In summary, the available evidence is currently insufficient to determine the role of this variant in disease. Therefore, it has been classified as a Variant of Uncertain Significance.

Ambry Genetics
Classification: Uncertain significance for Inborn genetic diseases. Last evaluated: 2025-10-03. Review status: criteria provided, single submitter. Criteria: Ambry Variant Classification Scheme 2023. Collection method: clinical testing. Allele origin: germline.

NM_001077350.3(NPRL3):c.563A>G (p.Gln188Arg)

Genes: HBA-LCR (alpha-globin locus control region; plus strand), NPRL3 (NPR3 like, GATOR1 complex subunit; minus strand). Cytogenetic location: 16p13.3.
Variant type: single nucleotide variant.
Coding change: c.563A>G on transcript NM_001077350.3 (MANE Select); coding-DNA position 563, A replaced by G.
Protein change: p.Gln188Arg; replaces glutamine 188 with arginine.
Molecular consequence: missense variant.
Genome position (GRCh38, 1-based): chr16:110,591, T>C on the plus strand (A>G on the coding strand, the complement: NPRL3 is on the minus strand). VCF-style: chr16-110591-T-C. GRCh37 (hg19) VCF-style: chr16-160589-T-C.
Other names: c.26A>G, p.Gln9Arg (NM_001039476.3); c.329A>G, p.Gln110Arg (NM_001243247.2); c.488A>G, p.Gln163Arg (NM_001243248.2, NM_001243249.2); short protein forms Q110R, Q163R, Q188R, Q9R.
Identifiers: ClinVar variation 956662 (VCV000956662.11), dbSNP rs191687929, ClinGen allele CA7769620.